The following is an entry in ClinVar:

ClinVar aggregate classification (germline): Benign (1 of 4 stars; one submission).

Conditions:
Cornelia de Lange syndrome 3 (CDLS3). Also called: CORNELIA DE LANGE SYNDROME 3 WITH OR WITHOUT MIDLINE BRAIN DEFECTS; SMC3-Related Cornelia de Lange Syndrome. Identifiers: Orphanet 199, MedGen C1853099, MONDO:0012555, OMIM 610759.

Allele frequency attached by ClinVar (database versions not stated): gnomAD 0.00334 and 0.00372; gnomAD exomes 0.00383; TOPMed 0.00506; 1000 Genomes Project 30x 0.00843; 1000 Genomes Project 0.00899.
gnomAD v4.1: 1,096 of 290,816 alleles (0.38%); highest among the groups gnomAD compares: East Asian, 2.4%; 13 homozygotes.

Submission:

Illumina Laboratory Services, Illumina
Classification: Benign for Cornelia de Lange syndrome 3. Last evaluated: 2018-01-13. Review status: criteria provided, single submitter. Criteria: ICSL Variant Classification Criteria 13 December 2019. Collection method: clinical testing. Allele origin: germline.
Comment: This variant was observed in the ICSL laboratory as part of a predisposition screen in an ostensibly healthy population. It had not been previously curated by ICSL or reported in the Human Gene Mutation Database (HGMD: prior to June 1st, 2018), and was therefore a candidate for classification through an automated scoring system. Utilizing variant allele frequency, disease prevalence and penetrance estimates, and inheritance mode, an automated score was calculated to assess if this variant is too frequent to cause the disease. Based on the score and internal cut-off values, a variant classified as benign is not then subjected to further curation. The score for this variant resulted in a classification of benign for this disease.

NM_005445.4(SMC3):c.*332A>G

Gene: SMC3 (structural maintenance of chromosomes 3; plus strand). Cytogenetic location: 10q25.2.
Variant type: single nucleotide variant.
Coding change: c.*332A>G on transcript NM_005445.4 (MANE Select); 332 bases downstream of the stop codon, A replaced by G.
Molecular consequence: 3 prime UTR variant.
Genome position (GRCh38, 1-based): chr10:110,604,634, A>G. VCF-style: chr10-110604634-A-G. GRCh37 (hg19) VCF-style: chr10-112364392-A-G.
Identifiers: ClinVar variation 298784 (VCV000298784.5), dbSNP rs117538515, ClinGen allele CA10628011.
Genomic context (GRCh38, chr10:110,604,634, plus strand): 5'-TATTTTATCACTTATACTACCTTTTTTATAGCTTCAATTAAATAATCGGTTTTATGACTA[A>G]TATAGTGTTTTATGTGGCTTTTCATTTGTCATAGTCTCTTCCAGTGAGAACACTAATCAG-3'